The following is an entry in ClinVar:

NM_020975.6(RET):c.671G>C (p.Ser224Thr)

Gene: RET (ret proto-oncogene; plus strand). Cytogenetic location: 10q11.21.
Variant type: single nucleotide variant.
Coding change: c.671G>C on transcript NM_020975.6 (MANE Select); coding-DNA position 671, G replaced by C.
Protein change: p.Ser224Thr; replaces serine 224 with threonine.
Molecular consequence: missense variant.
Genome position (GRCh38, 1-based): chr10:43,104,997, G>C. VCF-style: chr10-43104997-G-C. GRCh37 (hg19) VCF-style: chr10-43600445-G-C.
Other names: c.671G>C, p.Ser224Thr (NM_000323.2, NM_001406743.1, NM_001406744.1 and 8 more transcripts); c.-92G>C (NM_001355216.2); c.542G>C, p.Ser181Thr (NM_001406761.1, NM_001406762.1, NM_001406764.1 and 2 more transcripts); c.383G>C, p.Ser128Thr (NM_001406766.1, NM_001406767.1, NM_001406770.1); short protein forms S224T, S128T, S181T.
Identifiers: ClinVar variation 1482887 (VCV001482887.8), dbSNP rs1837729986, ClinGen allele CA376544467.
Genomic context (GRCh38, chr10:43,104,997, plus strand): 5'-CTGCTTGGTGCGCAGGTGAGGGTCTGCCCTTCCGCTGCGCCCCGGACAGCCTGGAGGTGA[G>C]CACGCGCTGGGCCCTGGACCGCGAGCAGCGGGAGAAGTACGAGCTGGTGGCCGTGTGCAC-3'
Protein context (NP_066124.1, residues 214-234): FRCAPDSLEV[Ser224Thr]TRWALDREQR

ClinVar aggregate classification (germline): Uncertain significance. Review status: criteria provided, multiple submitters, no conflicts (2 of 4 stars). 2 submissions from 2 submitters: Uncertain significance (2). Last evaluated 2026-07-06.

Conditions:
Multiple endocrine neoplasia, type 2 (MEN2). Identifiers: Orphanet 653, MedGen C4048306, MONDO:0019003. Disease mechanism: gain of function.
Hereditary cancer-predisposing syndrome. Also called: Hereditary Cancer Syndrome; Tumor predisposition; Neoplastic Syndromes, Hereditary; Hereditary neoplastic syndrome. Identifiers: Orphanet 140162, MedGen C0027672, MeSH D009386, MONDO:0015356.

Submissions (2):

Ambry Genetics
Classification: Uncertain significance for Hereditary cancer-predisposing syndrome. Last evaluated: 2026-07-06. Review status: criteria provided, single submitter. Criteria: Ambry Variant Classification Scheme 2023. Collection method: clinical testing. Allele origin: germline.
Comment: The p.S224T variant (also known as c.671G>C), located in coding exon 4 of the RET gene, results from a G to C substitution at nucleotide position 671. The serine at codon 224 is replaced by threonine, an amino acid with similar properties. This amino acid position is conserved. In addition, this alteration is predicted to be tolerated by in silico analysis. Based on the available evidence, the clinical significance of this variant remains unclear.

Labcorp Genetics (formerly Invitae), Labcorp
Classification: Uncertain significance for Multiple endocrine neoplasia, type 2. Last evaluated: 2021-01-16. Review status: criteria provided, single submitter. Criteria: Invitae Variant Classification Sherloc (09022015). Collection method: clinical testing. Allele origin: germline.
Comment: In summary, the available evidence is currently insufficient to determine the role of this variant in disease. Therefore, it has been classified as a Variant of Uncertain Significance. Algorithms developed to predict the effect of missense changes on protein structure and function (SIFT, PolyPhen-2, Align-GVGD) all suggest that this variant is likely to be tolerated, but these predictions have not been confirmed by published functional studies and their clinical significance is uncertain. This variant has not been reported in the literature in individuals with RET-related conditions. This variant is not present in population databases (ExAC no frequency). This sequence change replaces serine with threonine at codon 224 of the RET protein (p.Ser224Thr). The serine residue is moderately conserved and there is a small physicochemical difference between serine and threonine.